The following is an entry in ClinVar:

ClinVar aggregate classification (germline): Uncertain significance (1 of 4 stars; one submission).

Conditions:
Hereditary cancer-predisposing syndrome. Also called: Tumor predisposition; Hereditary Cancer Syndrome; Neoplastic Syndromes, Hereditary; Hereditary neoplastic syndrome. Identifiers: Orphanet 140162, MedGen C0027672, MeSH D009386, MONDO:0015356.

Submission:

Ambry Genetics
Classification: Uncertain significance for Hereditary cancer-predisposing syndrome. Last evaluated: 2025-03-03. Review status: criteria provided, single submitter. Criteria: Ambry Variant Classification Scheme 2023. Collection method: clinical testing. Allele origin: germline.
Comment: The p.S95C variant (also known as c.284C>G), located in coding exon 3 of the APC gene, results from a C to G substitution at nucleotide position 284. The serine at codon 95 is replaced by cysteine, an amino acid with dissimilar properties. This amino acid position is highly conserved in available vertebrate species. In addition, in silico predictors for this gene do not accurately predict pathogenicity. Since supporting evidence is limited at this time, the clinical significance of this alteration remains unclear.

NM_000038.6(APC):c.284C>G (p.Ser95Cys)

Gene: APC (APC regulator of Wnt signaling pathway; plus strand). Cytogenetic location: 5q22.2.
Variant type: single nucleotide variant.
Coding change: c.284C>G on transcript NM_000038.6 (MANE Select); coding-DNA position 284, C replaced by G.
Protein change: p.Ser95Cys; replaces serine 95 with cysteine.
Molecular consequence: missense variant. On other transcripts: 5 prime UTR variant (1).
Genome position (GRCh38, 1-based): chr5:112,767,252, C>G. VCF-style: chr5-112767252-C-G. GRCh37 (hg19) VCF-style: chr5-112102949-C-G.
Other names: c.284C>G, p.Ser95Cys (NM_001127510.3, NM_001354895.2, NM_001354896.2 and 16 more transcripts); c.314C>G, p.Ser105Cys (NM_001127511.3, NM_001354897.2, NM_001354902.2 and 1 more transcripts); c.209C>G, p.Ser70Cys (NM_001354898.2, NM_001354904.2, NM_001407451.1); c.107C>G, p.Ser36Cys (NM_001354900.2, NM_001354901.2, NM_001354905.2 and 1 more transcripts); c.-752C>G (NM_001354906.2, NM_001407470.1, NM_001407471.1 and 1 more transcripts); short protein forms S105C, S95C, S36C, S70C.
Identifiers: ClinVar variation 1796808 (VCV001796808.3), dbSNP rs146221748, ClinGen allele CA16021954.